The following is an entry in ClinVar:

ClinVar aggregate classification (germline): Uncertain significance. Review status: criteria provided, multiple submitters, no conflicts (2 of 4 stars). 2 submissions from 2 submitters: Uncertain significance (2). Last evaluated 2024-06-01.

Allele frequency attached by ClinVar (database versions not stated): gnomAD exomes below 0.00001; TOPMed below 0.00001; ExAC 0.00001; gnomAD 0.00001.
gnomAD v4.1: 7 of 1,613,954 alleles (0.00043%); highest among the groups gnomAD compares: Non-Finnish European, 0.00059%; no homozygotes.

Submissions (2):

CeGaT Center for Human Genetics Tuebingen
Classification: Uncertain significance. Last evaluated: 2024-06-01. Review status: criteria provided, single submitter. Criteria: CeGaT Center For Human Genetics Tuebingen Variant Classification Criteria Version 2. Collection method: clinical testing. Allele origin: germline. Affected: yes. Observed: 1 variant allele.
Comment: ABCC6: PM2, BP4

Labcorp Genetics (formerly Invitae), Labcorp
Classification: Uncertain significance. Last evaluated: 2023-10-30. Review status: criteria provided, single submitter. Criteria: Invitae Variant Classification Sherloc (09022015). Collection method: clinical testing. Allele origin: germline.
Comment: This sequence change replaces leucine, which is neutral and non-polar, with valine, which is neutral and non-polar, at codon 434 of the ABCC6 protein (p.Leu434Val). This variant is present in population databases (rs764251624, gnomAD 0.003%). This variant has not been reported in the literature in individuals affected with ABCC6-related conditions. Advanced modeling of protein sequence and biophysical properties (such as structural, functional, and spatial information, amino acid conservation, physicochemical variation, residue mobility, and thermodynamic stability) performed at Invitae indicates that this missense variant is not expected to disrupt ABCC6 protein function with a negative predictive value of 95%. In summary, the available evidence is currently insufficient to determine the role of this variant in disease. Therefore, it has been classified as a Variant of Uncertain Significance.

NM_001171.6(ABCC6):c.1300C>G (p.Leu434Val)

Gene: ABCC6 (ATP binding cassette subfamily C member 6; minus strand). Cytogenetic location: 16p13.11.
Variant type: single nucleotide variant.
Coding change: c.1300C>G on transcript NM_001171.6 (MANE Select); coding-DNA position 1300, C replaced by G.
Protein change: p.Leu434Val; replaces leucine 434 with valine.
Molecular consequence: missense variant. On other transcripts: non-coding transcript variant (1).
Genome position (GRCh38, 1-based): chr16:16,198,059, G>C on the plus strand (C>G on the coding strand, the complement: ABCC6 is on the minus strand). VCF-style: chr16-16198059-G-C. GRCh37 (hg19) VCF-style: chr16-16291916-G-C.
Other names: c.958C>G, p.Leu320Val (NM_001351800.1); short protein forms L320V, L434V.
Identifiers: ClinVar variation 3008425 (VCV003008425.21), dbSNP rs764251624, ClinGen allele CA7926376.
Genomic context (GRCh38, chr16:16,198,059, plus strand): 5'-CCGTCTTCCTCCTCTGGCATACCTGCCAGAGATAGACGAAGCAGACCACGATCCAGACGA[G>C]AGGCAGCCACAGCCCGTTGAGGTAGAGGACGCTCTCGGTCAGCCGCTGCACGTCCACGGA-3'
Protein context (NP_001162.5, residues 424-444): VLYLNGLWLP[Leu434Val]VWIVVCFVYL